The following is an entry in ClinVar:

ClinVar aggregate classification (germline): Uncertain significance. Review status: criteria provided, multiple submitters, no conflicts (2 of 4 stars). 5 submissions from 5 submitters: Uncertain significance (5). Last evaluated 2025-08-07.

Conditions:
Hereditary cancer-predisposing syndrome. Also called: Tumor predisposition; Neoplastic Syndromes, Hereditary; Hereditary Cancer Syndrome; Hereditary neoplastic syndrome. Identifiers: Orphanet 140162, MedGen C0027672, MeSH D009386, MONDO:0015356.
Colorectal cancer, susceptibility to, 12 (CRCS12). Also called: COLORECTAL CANCER, SUSCEPTIBILITY TO, ON CHROMOSOME 12q24. Identifiers: Orphanet 220460, MedGen C3554460, MONDO:0014038, OMIM 615083.

Allele frequency attached by ClinVar (database versions not stated): gnomAD exomes below 0.00001; TOPMed 0.00001; gnomAD 0.00002.
gnomAD v4.1: 5 of 1,614,066 alleles (0.00031%); highest among the groups gnomAD compares: African/African-American, 0.0053%; no homozygotes.

Submissions (5):

Labcorp Genetics (formerly Invitae), Labcorp
Classification: Uncertain significance. Last evaluated: 2025-08-07. Review status: criteria provided, single submitter. Criteria: Invitae Variant Classification Sherloc (09022015). Collection method: clinical testing. Allele origin: germline.
Comment: This sequence change replaces glutamine, which is neutral and polar, with arginine, which is basic and polar, at codon 394 of the POLE protein (p.Gln394Arg). This variant is present in population databases (no rsID available, gnomAD 0.008%). This variant has not been reported in the literature in individuals affected with POLE-related conditions. ClinVar contains an entry for this variant (Variation ID: 801256). Invitae Evidence Modeling of protein sequence and biophysical properties (such as structural, functional, and spatial information, amino acid conservation, physicochemical variation, residue mobility, and thermodynamic stability) indicates that this missense variant is not expected to disrupt POLE protein function with a negative predictive value of 80%. In summary, the available evidence is currently insufficient to determine the role of this variant in disease. Therefore, it has been classified as a Variant of Uncertain Significance.

Ambry Genetics
Classification: Uncertain significance for Hereditary cancer-predisposing syndrome. Last evaluated: 2025-06-11. Review status: criteria provided, single submitter. Criteria: Ambry Variant Classification Scheme 2023. Collection method: clinical testing. Allele origin: germline.
Comment: The p.Q394R variant (also known as c.1181A>G), located in coding exon 12 of the POLE gene, results from an A to G substitution at nucleotide position 1181. The glutamine at codon 394 is replaced by arginine, an amino acid with highly similar properties. This amino acid position is highly conserved in available vertebrate species. In addition, the in silico prediction for this alteration is inconclusive. Based on the available evidence, the clinical significance of this variant remains unclear.

Baylor Genetics
Classification: Uncertain significance for Colorectal cancer, susceptibility to, 12. Last evaluated: 2023-08-03. Review status: criteria provided, single submitter. Criteria: ACMG Guidelines, 2015. Collection method: clinical testing. Allele origin: unknown.

GeneDx
Classification: Uncertain significance. Last evaluated: 2022-08-23. Review status: criteria provided, single submitter. Criteria: GeneDx Variant Classification Process June 2021. Collection method: clinical testing. Allele origin: germline. Affected: yes.
Comment: Not observed at significant frequency in large population cohorts (gnomAD); In silico analysis supports that this missense variant does not alter protein structure/function; Has not been previously published as pathogenic or benign to our knowledge; This variant is associated with the following publications: (PMID: 29056344, 20951805)

Quest Diagnostics Nichols Institute San Juan Capistrano
Classification: Uncertain significance. Last evaluated: 2018-09-11. Review status: criteria provided, single submitter. Criteria: Quest Diagnostics criteria. Collection method: clinical testing. Allele origin: germline.

NM_006231.4(POLE):c.1181A>G (p.Gln394Arg)

Gene: POLE (DNA polymerase epsilon, catalytic subunit; minus strand). Cytogenetic location: 12q24.33.
Variant type: single nucleotide variant.
Coding change: c.1181A>G on transcript NM_006231.4 (MANE Select); coding-DNA position 1181, A replaced by G.
Protein change: p.Gln394Arg; replaces glutamine 394 with arginine.
Molecular consequence: missense variant.
Genome position (GRCh38, 1-based): chr12:132,675,443, T>C on the plus strand (A>G on the coding strand, the complement: POLE is on the minus strand). VCF-style: chr12-132675443-T-C. GRCh37 (hg19) VCF-style: chr12-133252029-T-C.
Other names: short protein forms Q394R.
Identifiers: ClinVar variation 801256 (VCV000801256.18), dbSNP rs1014444345, ClinGen allele CA246298081.